The following is an entry in ClinVar:

NM_014804.3(KIAA0753):c.446C>G (p.Ser149Ter)

Gene: KIAA0753 (KIAA0753; minus strand). Cytogenetic location: 17p13.1.
Variant type: single nucleotide variant.
Coding change: c.446C>G on transcript NM_014804.3 (MANE Select); coding-DNA position 446, C replaced by G.
Protein change: p.Ser149Ter; replaces serine 149 with a stop codon.
Molecular consequence: nonsense. On other transcripts: 5 prime UTR variant (1), non-coding transcript variant (3).
Genome position (GRCh38, 1-based): chr17:6,628,389, G>C on the plus strand (C>G on the coding strand, the complement: KIAA0753 is on the minus strand). VCF-style: chr17-6628389-G-C. GRCh37 (hg19) VCF-style: chr17-6531709-G-C.
Other names: c.-789C>G (NM_001351225.2); short protein forms S149*.
Identifiers: ClinVar variation 2808953 (VCV002808953.3), dbSNP rs778471926, ClinGen allele CA8330767.

ClinVar aggregate classification (germline): Pathogenic (1 of 4 stars; one submission).

Allele frequency attached by ClinVar (database versions not stated): TOPMed below 0.00001; ExAC 0.00001.
gnomAD v4.1: 3 of 1,614,180 alleles (0.00019%); highest among the groups gnomAD compares: Non-Finnish European, 0.00017%; no homozygotes.

Submission:

Labcorp Genetics (formerly Invitae), Labcorp
Classification: Pathogenic. Last evaluated: 2024-08-13. Review status: criteria provided, single submitter. Criteria: Invitae Variant Classification Sherloc (09022015). Collection method: clinical testing. Allele origin: germline.
Comment: This sequence change creates a premature translational stop signal (p.Ser149*) in the KIAA0753 gene. It is expected to result in an absent or disrupted protein product. Loss-of-function variants in KIAA0753 are known to be pathogenic (PMID: 29138412). This variant is present in population databases (rs778471926, gnomAD 0.0009%). This variant has not been reported in the literature in individuals affected with KIAA0753-related conditions. For these reasons, this variant has been classified as Pathogenic.

Literature cited by the submitters: PubMed 29138412.